The following is an entry in ClinVar:

ClinVar aggregate classification (germline): Likely benign (1 of 4 stars; one submission).

Allele frequency attached by ClinVar (database versions not stated): ExAC 0.00001.

Submission:

CeGaT Center for Human Genetics Tuebingen
Classification: Likely benign. Last evaluated: 2023-01-01. Review status: criteria provided, single submitter. Criteria: CeGaT Center For Human Genetics Tuebingen Variant Classification Criteria Version 2. Collection method: clinical testing. Allele origin: germline. Affected: yes. Observed: 1 variant allele.
Comment: ZNF816: BP4, BP7

NM_001202457.3(ZNF816):c.1371A>G (p.Lys457=)

Genes: ZNF816 (zinc finger protein 816; minus strand), ZNF816-ZNF321P (ZNF816-ZNF321P readthrough; minus strand). Cytogenetic location: 19q13.41.
Variant type: single nucleotide variant.
Coding change: c.1371A>G on transcript NM_001202457.3 (MANE Select); coding-DNA position 1371, A replaced by G.
Protein change: p.Lys457=; no amino-acid change (lysine 457 retained).
Molecular consequence: synonymous variant. On other transcripts: intron variant (1).
Genome position (GRCh38, 1-based): chr19:52,950,404, T>C on the plus strand (A>G on the coding strand, the complement: ZNF816 is on the minus strand). VCF-style: chr19-52950404-T-C. GRCh37 (hg19) VCF-style: chr19-53453657-T-C.
Other names: c.1371A>G, p.Lys457= (NM_001031665.4, NM_001202456.3); c.190+2347A>G (NM_001202473.2).
Identifiers: ClinVar variation 2650401 (VCV002650401.24), dbSNP rs775871634, ClinGen allele CA9629608.